The following is an entry in ClinVar:

ClinVar aggregate classification (germline): Pathogenic (1 of 4 stars; one submission).

Conditions:
Atrioventricular septal defect 4 (AVSD4). Identifiers: MedGen C3280781, MONDO:0013747, OMIM 614430.

Submission:

Labcorp Genetics (formerly Invitae), Labcorp
Classification: Pathogenic for Atrioventricular septal defect 4. Last evaluated: 2025-07-21. Review status: criteria provided, single submitter. Criteria: Invitae Variant Classification Sherloc (09022015). Collection method: clinical testing. Allele origin: germline.
Comment: This sequence change creates a premature translational stop signal (p.Ile315Lysfs*9) in the GATA4 gene. It is expected to result in an absent or disrupted protein product. Loss-of-function variants in GATA4 are known to be pathogenic (PMID: 12845333, 15235040). This variant is not present in population databases (gnomAD no frequency). This variant has not been reported in the literature in individuals affected with GATA4-related conditions. Algorithms developed to predict the effect of sequence changes on RNA splicing suggest that this variant may disrupt the consensus splice site. For these reasons, this variant has been classified as Pathogenic.

Literature cited by the submitters: PubMed 12845333; PubMed 15235040.

NM_001308093.3(GATA4):c.947_957del (p.Ile316fs)

Gene: GATA4 (GATA binding protein 4). Cytogenetic location: 8p23.1.
Variant type: Deletion.
Coding change: c.947_957del on transcript NM_001308093.3 (MANE Select); coding-DNA positions 947 to 957, 11 bases deleted.
Protein change: p.Ile316fs; shifts the reading frame from isoleucine 316.
Molecular consequence: frameshift variant.
Genome position: GRCh38 VCF-style: chr8-11755077-GGATCCAAACCA-G. GRCh37 (hg19) VCF-style: chr8-11612586-GGATCCAAACCA-G.
Other names: c.326_336del, p.Ile109fs (NM_001308094.2, NM_001374273.1); c.200_210del, p.Ile67fs (NM_001374274.1); c.944_954del, p.Ile315fs (NM_002052.5); short protein forms I316fs, I109fs, I315fs, I67fs.
Identifiers: ClinVar variation 4723478 (VCV004723478.1).